The following is an entry in ClinVar:

NM_001136191.3(KANK2):c.1903G>A (p.Asp635Asn)

Gene: KANK2 (KN motif and ankyrin repeat domains 2; minus strand). Cytogenetic location: 19p13.2.
Variant type: single nucleotide variant.
Coding change: c.1903G>A on transcript NM_001136191.3 (MANE Select); coding-DNA position 1903, G replaced by A.
Protein change: p.Asp635Asn; replaces aspartic acid 635 with asparagine.
Molecular consequence: missense variant.
Genome position (GRCh38, 1-based): chr19:11,174,638, C>T on the plus strand (G>A on the coding strand, the complement: KANK2 is on the minus strand). VCF-style: chr19-11174638-C-T. GRCh37 (hg19) VCF-style: chr19-11285314-C-T.
Other names: c.1903G>A, p.Asp635Asn (NM_001329451.2, NM_001379555.1, NM_001379556.1 and 7 more transcripts); c.1927G>A, p.Asp643Asn (NM_001379548.1, NM_001379549.1, NM_001379550.1 and 5 more transcripts); short protein forms D635N, D643N.
Identifiers: ClinVar variation 2978289 (VCV002978289.3), dbSNP rs756897734, ClinGen allele CA9205464.
Genomic context (GRCh38, chr19:11,174,638, plus strand): 5'-GCCGCGCAGACATGGCCCGGAACGTGACCAGGTGCCGCCGCACCAGCTCGGGGTGTGCGT[C>T]GCTGCGGCAGGCCAGGCGCAGCCACTCCTGCAGCACTGTGGTGTAGGCCACTTTCTGCAT-3'
Protein context (NP_001129663.1, residues 625-645): QEWLRLACRS[Asp635Asn]AHPELVRRHL

ClinVar aggregate classification (germline): Uncertain significance (1 of 4 stars; one submission).

Allele frequency attached by ClinVar (database versions not stated): gnomAD exomes 0.00001; gnomAD 0.00003; TOPMed 0.00002; ExAC 0.00003.

Submission:

Labcorp Genetics (formerly Invitae), Labcorp
Classification: Uncertain significance. Last evaluated: 2025-08-18. Review status: criteria provided, single submitter. Criteria: Invitae Variant Classification Sherloc (09022015). Collection method: clinical testing. Allele origin: germline.
Comment: This sequence change replaces aspartic acid, which is acidic and polar, with asparagine, which is neutral and polar, at codon 635 of the KANK2 protein (p.Asp635Asn). This variant is present in population databases (rs756897734, gnomAD 0.007%). This variant has not been reported in the literature in individuals affected with KANK2-related conditions. ClinVar contains an entry for this variant (Variation ID: 2978289). An algorithm developed to predict the effect of missense changes on protein structure and function (PolyPhen-2) suggests that this variant is likely to be disruptive. In summary, the available evidence is currently insufficient to determine the role of this variant in disease. Therefore, it has been classified as a Variant of Uncertain Significance.